The following is an entry in ClinVar:

NM_000465.4(BARD1):c.432_438del (p.Lys144fs)

Gene: BARD1 (BRCA1 associated RING domain 1; minus strand). Cytogenetic location: 2q35.
Variant type: Deletion.
Coding change: c.432_438del on transcript NM_000465.4 (MANE Select); coding-DNA positions 432 to 438, 7 bases deleted (AATGTGG; older notation c.432_438delAATGTGG).
Protein change: p.Lys144fs; shifts the reading frame from lysine 144.
Molecular consequence: frameshift variant. On other transcripts: non-coding transcript variant (2), intron variant (3).
Genome position (GRCh38, 1-based): chr2:214,781,436-214,781,442, CCACATT deleted on the plus strand (AATGTGG on the coding strand, the reverse complement: BARD1 is on the minus strand). VCF-style (leftmost placement, unchanged base first): chr2-214781435-ACCACATT-A. GRCh37 (hg19) VCF-style: chr2-215646159-ACCACATT-A.
Other names: c.375_381del, p.Lys125fs (NM_001282543.2); c.158+27970_158+27976del (NM_001282548.2); c.215+15619_215+15625del (NM_001282545.2); c.364+10855_364+10861del (NM_001282549.2); short protein forms K125fs, K144fs.
Identifiers: ClinVar variation 1739696 (VCV001739696.2), dbSNP rs2469513563, ClinGen allele CA2580065704.

ClinVar aggregate classification (germline): Pathogenic (1 of 4 stars; one submission).

Conditions:
Hereditary cancer-predisposing syndrome. Also called: Hereditary Cancer Syndrome; Hereditary neoplastic syndrome; Neoplastic Syndromes, Hereditary; Tumor predisposition. Identifiers: Orphanet 140162, MedGen C0027672, MeSH D009386, MONDO:0015356.

Submission:

Ambry Genetics
Classification: Pathogenic for Hereditary cancer-predisposing syndrome. Last evaluated: 2020-03-27. Review status: criteria provided, single submitter. Criteria: Ambry Variant Classification Scheme 2023. Collection method: clinical testing. Allele origin: germline.
Comment: The c.432_438delAATGTGG pathogenic mutation, located in coding exon 4 of the BARD1 gene, results from a deletion of AATGTGG at nucleotide positions 432 to 438, causing a translational frameshift with a predicted alternate stop codon (p.K144Nfs*13). This alteration is expected to result in loss of function by premature protein truncation or nonsense-mediated mRNA decay. As such, this alteration is interpreted as a disease-causing mutation.